The following is an entry in ClinVar:

ClinVar aggregate classification (germline): Uncertain significance (1 of 4 stars; one submission).

Conditions:
DNA ligase IV deficiency. Identifiers: Orphanet 99812, MedGen C1847827, MONDO:0011686, OMIM 606593.

Allele frequency attached by ClinVar (database versions not stated): gnomAD exomes 0.00001 and 0.00003; ExAC 0.00002.
gnomAD v4.1: 7 of 1,613,942 alleles (0.00043%); highest among the groups gnomAD compares: Admixed American, 0.012%; no homozygotes.

Submission:

Labcorp Genetics (formerly Invitae), Labcorp
Classification: Uncertain significance for DNA ligase IV deficiency. Last evaluated: 2021-08-24. Review status: criteria provided, single submitter. Criteria: Invitae Variant Classification Sherloc (09022015). Collection method: clinical testing. Allele origin: germline.
Comment: This sequence change replaces lysine with arginine at codon 320 of the LIG4 protein (p.Lys320Arg). The lysine residue is weakly conserved and there is a small physicochemical difference between lysine and arginine. This variant is present in population databases (rs757762017, ExAC 0.03%). This variant has not been reported in the literature in individuals affected with LIG4-related conditions. Algorithms developed to predict the effect of missense changes on protein structure and function output the following: SIFT: "Tolerated"; PolyPhen-2: "Benign"; Align-GVGD: "Class C0". The arginine amino acid residue is found in multiple mammalian species, which suggests that this missense change does not adversely affect protein function. Algorithms developed to predict the effect of sequence changes on RNA splicing suggest that this variant may create or strengthen a splice site. In summary, the available evidence is currently insufficient to determine the role of this variant in disease. Therefore, it has been classified as a Variant of Uncertain Significance.

NM_206937.2(LIG4):c.959A>G (p.Lys320Arg)

Gene: LIG4 (DNA ligase 4; minus strand). Cytogenetic location: 13q33.3.
Variant type: single nucleotide variant.
Coding change: c.959A>G on transcript NM_206937.2 (MANE Select); coding-DNA position 959, A replaced by G.
Protein change: p.Lys320Arg; replaces lysine 320 with arginine.
Molecular consequence: missense variant.
Genome position (GRCh38, 1-based): chr13:108,210,310, T>C on the plus strand (A>G on the coding strand, the complement: LIG4 is on the minus strand). VCF-style: chr13-108210310-T-C. GRCh37 (hg19) VCF-style: chr13-108862658-T-C.
Other names: c.959A>G, p.Lys320Arg (NM_001098268.2, NM_001352598.2, NM_001352599.2 and 6 more transcripts); c.758A>G, p.Lys253Arg (NM_001330595.2); c.995A>G, p.Lys332Arg (NM_001352604.2); short protein forms K253R, K320R, K332R.
Identifiers: ClinVar variation 1508376 (VCV001508376.5), dbSNP rs757762017, ClinGen allele CA7043771.
Genomic context (GRCh38, chr13:108,210,310, plus strand): 5'-TGTGTATTAGGATTATAGGCCATCATCTCACCATCAAGAATACAGATTTGTATATCTGCT[T>C]TGAATGCATTATGAATGAATGGGGTAAGAGAACCTTCAGTAGGAGAAGCACCAAACTGAT-3'
Protein context (NP_996820.1, residues 310-330): SLTPFIHNAF[Lys320Arg]ADIQICILDG